The following is an entry in ClinVar:

NM_012388.4(BLOC1S6):c.296T>A (p.Leu99Ter)

Gene: BLOC1S6 (biogenesis of lysosomal organelles complex 1 subunit 6; plus strand). Cytogenetic location: 15q21.1.
Variant type: single nucleotide variant.
Coding change: c.296T>A on transcript NM_012388.4 (MANE Select); coding-DNA position 296, T replaced by A.
Protein change: p.Leu99Ter; replaces leucine 99 with a stop codon.
Molecular consequence: nonsense. On other transcripts: non-coding transcript variant (6), intron variant (1).
Genome position (GRCh38, 1-based): chr15:45,603,171, T>A. VCF-style: chr15-45603171-T-A. GRCh37 (hg19) VCF-style: chr15-45895369-T-A.
Other names: c.311T>A, p.Leu104Ter (NM_001311255.1); c.240-2257T>A (NM_001311256.1); short protein forms L104*, L99*.
Identifiers: ClinVar variation 2748432 (VCV002748432.2), dbSNP rs2542292733, ClinGen allele CA392300471.

ClinVar aggregate classification (germline): Pathogenic (1 of 4 stars; one submission).

Conditions:
Hermansky-Pudlak syndrome 9 (HPS9). Identifiers: Orphanet 280663, Orphanet 79430, MedGen C3280026, MONDO:0013606, OMIM 614171.

Submission:

Labcorp Genetics (formerly Invitae), Labcorp
Classification: Pathogenic for Hermansky-Pudlak syndrome 9. Last evaluated: 2024-05-20. Review status: criteria provided, single submitter. Criteria: Invitae Variant Classification Sherloc (09022015). Collection method: clinical testing. Allele origin: germline.
Comment: This sequence change creates a premature translational stop signal (p.Leu99*) in the BLOC1S6 gene. It is expected to result in an absent or disrupted protein product. Loss-of-function variants in BLOC1S6 are known to be pathogenic (PMID: 10610180, 21665000, 22461475). This variant is not present in population databases (gnomAD no frequency). This variant has not been reported in the literature in individuals affected with BLOC1S6-related conditions. Algorithms developed to predict the effect of sequence changes on RNA splicing suggest that this variant may disrupt the consensus splice site. For these reasons, this variant has been classified as Pathogenic.

Literature cited by the submitters: PubMed 10610180; PubMed 21665000; PubMed 22461475.